The following is an entry in ClinVar:

NM_000088.4(COL1A1):c.2935del (p.Ser979fs)

Gene: COL1A1 (collagen type I alpha 1 chain; minus strand). Cytogenetic location: 17q21.33.
Variant type: Deletion.
Coding change: c.2935del on transcript NM_000088.4 (MANE Select); coding-DNA position 2935, one base deleted (T; older notation c.2935delT).
Protein change: p.Ser979fs; shifts the reading frame from serine 979.
Molecular consequence: frameshift variant.
Genome position (GRCh38, 1-based): chr17:50,189,170, A deleted on the plus strand (T on the coding strand, the reverse complement: COL1A1 is on the minus strand). VCF-style (leftmost placement, unchanged base first): chr17-50189169-GA-G. GRCh37 (hg19) VCF-style: chr17-48266530-GA-G.
Other names: short protein forms S979fs.
Identifiers: ClinVar variation 940184 (VCV000940184.8), dbSNP rs1906842230, ClinGen allele CA1139665692.

ClinVar aggregate classification (germline): Pathogenic (1 of 4 stars; one submission).

Conditions:
Osteogenesis imperfecta type I (OI1). Also called: Lobstein disease; Osteogenesis imperfecta type 1; OI, TYPE I; OSTEOGENESIS IMPERFECTA TARDA; OSTEOGENESIS IMPERFECTA WITH BLUE SCLERAE; Lobstein's Disease. Identifiers: Orphanet 216796, Orphanet 666, MedGen C0023931, MONDO:0008146, OMIM 166200. Disease mechanism: loss of function.

Submission:

Labcorp Genetics (formerly Invitae), Labcorp
Classification: Pathogenic for Osteogenesis imperfecta type I. Last evaluated: 2025-09-15. Review status: criteria provided, single submitter. Criteria: Invitae Variant Classification Sherloc (09022015). Collection method: clinical testing. Allele origin: germline.
Comment: This sequence change creates a premature translational stop signal (p.Ser979Leufs*129) in the COL1A1 gene. It is expected to result in an absent or disrupted protein product. Loss-of-function variants in COL1A1 are known to be pathogenic (PMID: 7942841, 9295084, 9443882). This variant is not present in population databases (gnomAD no frequency). This premature translational stop signal has been observed in individual(s) with osteogenesis imperfecta (PMID: 30886339). ClinVar contains an entry for this variant (Variation ID: 940184). For these reasons, this variant has been classified as Pathogenic.

Literature cited by the submitters: PubMed 7942841; PubMed 9295084; PubMed 9443882; PubMed 30886339.